The following is an entry in ClinVar:

NM_000264.5(PTCH1):c.1030G>T (p.Gly344Cys)

Gene: PTCH1 (patched 1; minus strand). Cytogenetic location: 9q22.32.
Variant type: single nucleotide variant.
Coding change: c.1030G>T on transcript NM_000264.5 (MANE Select); coding-DNA position 1030, G replaced by T.
Protein change: p.Gly344Cys; replaces glycine 344 with cysteine.
Molecular consequence: missense variant. On other transcripts: non-coding transcript variant (1).
Genome position (GRCh38, 1-based): chr9:95,480,006, C>A on the plus strand (G>T on the coding strand, the complement: PTCH1 is on the minus strand). VCF-style: chr9-95480006-C-A. GRCh37 (hg19) VCF-style: chr9-98242288-C-A.
Other names: c.577G>T, p.Gly193Cys (NM_001083607.3, NM_001083604.3, NM_001083605.3 and 1 more transcripts); c.1030G>T, p.Gly344Cys (NM_001354918.2); c.832G>T, p.Gly278Cys (NM_001083602.3); c.1027G>T, p.Gly343Cys (NM_001083603.3); short protein forms G193C, G278C, G344C, G343C.
Identifiers: ClinVar variation 1522391 (VCV001522391.6), dbSNP rs2118390055, ClinGen allele CA374119631.

ClinVar aggregate classification (germline): Uncertain significance (1 of 4 stars; one submission).

Conditions:
Gorlin syndrome. Also called: Basal cell nevus syndrome; Nevoid Basal Cell Carcinoma Syndrome. Identifiers: Orphanet 377, MedGen C0004779, MONDO:0007187.

Submission:

Labcorp Genetics (formerly Invitae), Labcorp
Classification: Uncertain significance for Gorlin syndrome. Last evaluated: 2021-09-07. Review status: criteria provided, single submitter. Criteria: Invitae Variant Classification Sherloc (09022015). Collection method: clinical testing. Allele origin: germline.
Comment: In summary, the available evidence is currently insufficient to determine the role of this variant in disease. Therefore, it has been classified as a Variant of Uncertain Significance. Advanced modeling of protein sequence and biophysical properties (such as structural, functional, and spatial information, amino acid conservation, physicochemical variation, residue mobility, and thermodynamic stability) performed at Invitae indicates that this missense variant is expected to disrupt PTCH1 protein function. This variant has not been reported in the literature in individuals affected with PTCH1-related conditions. This variant is not present in population databases (ExAC no frequency). This sequence change replaces glycine with cysteine at codon 344 of the PTCH1 protein (p.Gly344Cys). The glycine residue is highly conserved and there is a large physicochemical difference between glycine and cysteine.